The following is an entry in ClinVar:

ClinVar aggregate classification (germline): Uncertain significance. Review status: criteria provided, multiple submitters, no conflicts (2 of 4 stars). 3 submissions from 3 submitters: Uncertain significance (3). Last evaluated 2026-01-01.

Conditions:
Developmental and epileptic encephalopathy, 14 (DEE14). Also called: Early infantile epileptic encephalopathy 14. Identifiers: Orphanet 293181, MedGen C3554195, MONDO:0013989, OMIM 614959.
Autosomal dominant nocturnal frontal lobe epilepsy 5. Also called: Epilepsy, nocturnal frontal lobe, 5; CILIARY DYSKINESIA, PRIMARY, 28, WITHOUT SITUS INVERSUS; CILIARY DYSKINESIA, PRIMARY, 28, WITH SITUS INVERSUS; KCNT1-Related Epilepsy. Identifiers: Orphanet 98784, MedGen C3554306, MONDO:0014002, OMIM 615005.

Submissions (3):

CeGaT Center for Human Genetics Tuebingen
Classification: Uncertain significance. Last evaluated: 2026-01-01. Review status: criteria provided, single submitter. Criteria: CeGaT Center For Human Genetics Tuebingen Variant Classification Criteria Version 2. Collection method: clinical testing. Allele origin: germline. Affected: yes. Observed: 1 variant allele.

Labcorp Genetics (formerly Invitae), Labcorp
Classification: Uncertain significance for Autosomal dominant nocturnal frontal lobe epilepsy 5; Developmental and epileptic encephalopathy, 14. Last evaluated: 2025-09-10. Review status: criteria provided, single submitter. Criteria: Invitae Variant Classification Sherloc (09022015). Collection method: clinical testing. Allele origin: germline.
Comment: This sequence change replaces isoleucine, which is neutral and non-polar, with valine, which is neutral and non-polar, at codon 224 of the KCNT1 protein (p.Ile224Val). This variant is not present in population databases (gnomAD no frequency). This variant has not been reported in the literature in individuals affected with KCNT1-related conditions. ClinVar contains an entry for this variant (Variation ID: 546397). Invitae Evidence Modeling of protein sequence and biophysical properties (such as structural, functional, and spatial information, amino acid conservation, physicochemical variation, residue mobility, and thermodynamic stability) indicates that this missense variant is not expected to disrupt KCNT1 protein function with a negative predictive value of 80%. In summary, the available evidence is currently insufficient to determine the role of this variant in disease. Therefore, it has been classified as a Variant of Uncertain Significance.

GeneDx
Classification: Uncertain significance. Last evaluated: 2018-05-23. Review status: criteria provided, single submitter. Criteria: GeneDx Variant Classification (06012015). Collection method: clinical testing. Allele origin: germline. Affected: yes.
Comment: A variant of uncertain significance has been identified in the KCNT1 gene. The I224V variant has not been published as a pathogenic variant, nor has it been reported as a benign variant to our knowledge. The I224V variant is not observed in large population cohorts (Lek et al., 2016). However, the I224V variant is a conservative amino acid substitution, which is not likely to impact secondary protein structure as these residues share similar properties. In-silico analyses, including protein predictors and evolutionary conservation, support that this variant does not alter protein structure/function. Therefore, based on the currently available information, it is unclear whether this variant is a pathogenic variant or a rare benign variant.

NM_020822.3(KCNT1):c.670A>G (p.Ile224Val)

Gene: KCNT1 (potassium sodium-activated channel subfamily T member 1; plus strand). Cytogenetic location: 9q34.3.
Variant type: single nucleotide variant.
Coding change: c.670A>G on transcript NM_020822.3 (MANE Select); coding-DNA position 670, A replaced by G.
Protein change: p.Ile224Val; replaces isoleucine 224 with valine.
Molecular consequence: missense variant.
Genome position (GRCh38, 1-based): chr9:135,757,225, A>G. VCF-style: chr9-135757225-A-G. GRCh37 (hg19) VCF-style: chr9-138649071-A-G.
Other names: c.526A>G, p.Ile176Val (NM_001272003.2); short protein forms I224V, I176V.
Identifiers: ClinVar variation 546397 (VCV000546397.7), dbSNP rs1554770959, ClinGen allele CA375497355.